The following is an entry in ClinVar:

NM_006415.4(SPTLC1):c.280G>A (p.Val94Met)

Gene: SPTLC1 (serine palmitoyltransferase long chain base subunit 1; minus strand). Cytogenetic location: 9q22.31.
Variant type: single nucleotide variant.
Coding change: c.280G>A on transcript NM_006415.4 (MANE Select); coding-DNA position 280, G replaced by A.
Protein change: p.Val94Met; replaces valine 94 with methionine.
Molecular consequence: missense variant. On other transcripts: 5 prime UTR variant (2).
Genome position (GRCh38, 1-based): chr9:92,080,944, C>T on the plus strand (G>A on the coding strand, the complement: SPTLC1 is on the minus strand). VCF-style: chr9-92080944-C-T. GRCh37 (hg19) VCF-style: chr9-94843226-C-T.
Other names: c.280G>A, p.Val94Met (NM_001281303.2, NM_178324.3); c.-220G>A (NM_001368272.1); c.-186G>A (NM_001368273.1); short protein forms V94M.
Identifiers: ClinVar variation 2828432 (VCV002828432.3), dbSNP rs1258741778, ClinGen allele CA373788954.

ClinVar aggregate classification (germline): Uncertain significance (1 of 4 stars; one submission).

Conditions:
Hereditary sensory and autonomic neuropathy type 1 (HSAN1). Also called: HSAN 1; HSN Type I; Hereditary Sensory Neuropathy Type I. Identifiers: Orphanet 36386, MedGen C0020071, MONDO:0018213.

gnomAD v4.1: 4 of 1,614,112 alleles (0.00025%); highest among the groups gnomAD compares: South Asian, 0.0044%; no homozygotes.

Submission:

Labcorp Genetics (formerly Invitae), Labcorp
Classification: Uncertain significance for Hereditary sensory and autonomic neuropathy type 1. Last evaluated: 2023-01-14. Review status: criteria provided, single submitter. Criteria: Invitae Variant Classification Sherloc (09022015). Collection method: clinical testing. Allele origin: germline.
Comment: In summary, the available evidence is currently insufficient to determine the role of this variant in disease. Therefore, it has been classified as a Variant of Uncertain Significance. Advanced modeling of protein sequence and biophysical properties (such as structural, functional, and spatial information, amino acid conservation, physicochemical variation, residue mobility, and thermodynamic stability) performed at Invitae indicates that this missense variant is not expected to disrupt SPTLC1 protein function. This variant has not been reported in the literature in individuals affected with SPTLC1-related conditions. This variant is present in population databases (no rsID available, gnomAD 0.006%). This sequence change replaces valine, which is neutral and non-polar, with methionine, which is neutral and non-polar, at codon 94 of the SPTLC1 protein (p.Val94Met).